The following is an entry in ClinVar:

ClinVar aggregate classification (germline): Likely benign. Review status: criteria provided, single submitter (1 of 4 stars). 2 submissions from 2 submitters: Likely benign (1). 1 of the submissions does not count toward it. Last evaluated 2025-12-01.

Conditions:
CHD1-related disorder. Also called: CHD1-related condition.

Allele frequency attached by ClinVar (database versions not stated): gnomAD 0.00042; TOPMed 0.00042; ExAC 0.00044; ESP Exome Variant Server 0.00046; gnomAD exomes 0.00053.
gnomAD v4.1: 763 of 1,477,972 alleles (0.052%); highest among the groups gnomAD compares: Non-Finnish European, 0.066%; 2 homozygotes.

Submissions (2):

CeGaT Center for Human Genetics Tuebingen
Classification: Likely benign. Last evaluated: 2025-12-01. Review status: criteria provided, single submitter. Criteria: CeGaT Center For Human Genetics Tuebingen Variant Classification Criteria Version 2. Collection method: clinical testing. Allele origin: germline. Affected: yes. Observed: 1 variant allele.
Comment: CHD1: BP4, BP7

PreventionGenetics, part of Exact Sciences
Classification: Likely benign for CHD1-related condition. Last evaluated: 2019-05-08. Review status: no assertion criteria provided. Collection method: clinical testing. Allele origin: germline. Not counted in ClinVar's aggregate classification.
Comment: This variant is classified as likely benign based on ACMG/AMP sequence variant interpretation guidelines (Richards et al. 2015 PMID: 25741868, with internal and published modifications).

NM_001270.4(CHD1):c.1725A>G (p.Glu575=)

Gene: CHD1 (chromodomain helicase DNA binding protein 1; minus strand). Cytogenetic location: 5q15.
Variant type: single nucleotide variant.
Coding change: c.1725A>G on transcript NM_001270.4 (MANE Select); coding-DNA position 1725, A replaced by G.
Protein change: p.Glu575=; no amino-acid change (glutamic acid 575 retained).
Molecular consequence: synonymous variant. On other transcripts: non-coding transcript variant (2).
Genome position (GRCh38, 1-based): chr5:98,894,672, T>C on the plus strand (A>G on the coding strand, the complement: CHD1 is on the minus strand). VCF-style: chr5-98894672-T-C. GRCh37 (hg19) VCF-style: chr5-98230376-T-C.
Other names: c.1725A>G, p.Glu575= (NM_001364113.3, NM_001376194.2).
Identifiers: ClinVar variation 3042175 (VCV003042175.7), dbSNP rs146779749, ClinGen allele CA3356307.